The following is an entry in ClinVar:

NM_000428.3(LTBP2):c.914C>T (p.Thr305Met)

Gene: LTBP2 (latent transforming growth factor beta binding protein 2; minus strand). Cytogenetic location: 14q24.3.
Variant type: single nucleotide variant.
Coding change: c.914C>T on transcript NM_000428.3 (MANE Select); coding-DNA position 914, C replaced by T.
Protein change: p.Thr305Met; replaces threonine 305 with methionine.
Molecular consequence: missense variant.
Genome position (GRCh38, 1-based): chr14:74,555,610, G>A on the plus strand (C>T on the coding strand, the complement: LTBP2 is on the minus strand). VCF-style: chr14-74555610-G-A. GRCh37 (hg19) VCF-style: chr14-75022313-G-A.
Other names: c.914C>T (NM_000428.2); short protein forms T305M.
Identifiers: ClinVar variation 1397195 (VCV001397195.7), dbSNP rs377240360, ClinGen allele CA7270044.

ClinVar aggregate classification (germline): Uncertain significance. Review status: criteria provided, multiple submitters, no conflicts (2 of 4 stars). 2 submissions from 2 submitters: Uncertain significance (2). Last evaluated 2024-11-24.

Conditions:
Inborn genetic diseases. Identifiers: MedGen C0950123, MeSH D030342.

Allele frequency attached by ClinVar (database versions not stated): 1000 Genomes Project 30x 0.00016; 1000 Genomes Project 0.00020.
gnomAD v4.1: 54 of 1,610,168 alleles (0.0034%); highest among the groups gnomAD compares: Admixed American, 0.069%; no homozygotes.

Submissions (2):

Ambry Genetics
Classification: Uncertain significance for Inborn genetic diseases. Last evaluated: 2024-11-24. Review status: criteria provided, single submitter. Criteria: Ambry Variant Classification Scheme 2023. Collection method: clinical testing. Allele origin: germline.

Labcorp Genetics (formerly Invitae), Labcorp
Classification: Uncertain significance. Last evaluated: 2022-08-03. Review status: criteria provided, single submitter. Criteria: Invitae Variant Classification Sherloc (09022015). Collection method: clinical testing. Allele origin: germline.
Comment: This sequence change replaces threonine, which is neutral and polar, with methionine, which is neutral and non-polar, at codon 305 of the LTBP2 protein (p.Thr305Met). This variant is present in population databases (rs377240360, gnomAD 0.02%). This variant has not been reported in the literature in individuals affected with LTBP2-related conditions. ClinVar contains an entry for this variant (Variation ID: 1397195). Algorithms developed to predict the effect of missense changes on protein structure and function are either unavailable or do not agree on the potential impact of this missense change (SIFT: "Deleterious"; PolyPhen-2: "Benign"; Align-GVGD: "Class C0"). In summary, the available evidence is currently insufficient to determine the role of this variant in disease. Therefore, it has been classified as a Variant of Uncertain Significance.